The following is an entry in ClinVar:

NM_000057.4(BLM):c.4119C>G (p.Ser1373=)

Gene: BLM (BLM RecQ like helicase; plus strand). Cytogenetic location: 15q26.1.
Variant type: single nucleotide variant.
Coding change: c.4119C>G on transcript NM_000057.4 (MANE Select); coding-DNA position 4119, C replaced by G.
Protein change: p.Ser1373=; no amino-acid change (serine 1373 retained).
Molecular consequence: synonymous variant.
Genome position (GRCh38, 1-based): chr15:90,815,144, C>G. VCF-style: chr15-90815144-C-G. GRCh37 (hg19) VCF-style: chr15-91358374-C-G.
Other names: c.4119C>G (NM_000057.3); c.4119C>G, p.Ser1373= (NM_001287246.2); c.3726C>G, p.Ser1242= (NM_001287247.2); c.2994C>G, p.Ser998= (NM_001287248.2).
Identifiers: ClinVar variation 1626760 (VCV001626760.15), dbSNP rs1210181566, ClinGen allele CA492158278.

ClinVar aggregate classification (germline): Likely benign. Review status: criteria provided, multiple submitters, no conflicts (2 of 4 stars). 4 submissions from 4 submitters: Likely benign (4). Last evaluated 2026-02-01.

Conditions:
Hereditary cancer-predisposing syndrome. Also called: Hereditary Cancer Syndrome; Neoplastic Syndromes, Hereditary; Hereditary neoplastic syndrome; Tumor predisposition. Identifiers: Orphanet 140162, MedGen C0027672, MeSH D009386, MONDO:0015356.
Bloom syndrome (BLM). Also called: Bloom-Torre-Machacek syndrome. Identifiers: Orphanet 125, MedGen C0005859, MONDO:0008876, OMIM 210900.

Allele frequency attached by ClinVar (database versions not stated): gnomAD 0.00001.
gnomAD v4.1: 4 of 1,614,050 alleles (0.00025%); highest among the groups gnomAD compares: Non-Finnish European, 0.00025%; no homozygotes.

Submissions (4):

CeGaT Center for Human Genetics Tuebingen
Classification: Likely benign. Last evaluated: 2026-02-01. Review status: criteria provided, single submitter. Criteria: CeGaT Center For Human Genetics Tuebingen Variant Classification Criteria Version 2. Collection method: clinical testing. Allele origin: germline. Affected: yes. Observed: 1 variant allele.
Comment: BLM: BP4, BP7

Labcorp Genetics (formerly Invitae), Labcorp
Classification: Likely benign for Bloom syndrome. Last evaluated: 2025-12-01. Review status: criteria provided, single submitter. Criteria: Invitae Variant Classification Sherloc (09022015). Collection method: clinical testing. Allele origin: germline.

Quest Diagnostics Nichols Institute San Juan Capistrano
Classification: Likely benign. Last evaluated: 2023-06-29. Review status: criteria provided, single submitter. Criteria: Quest Diagnostics criteria. Collection method: clinical testing. Allele origin: unknown.

Ambry Genetics
Classification: Likely benign for Hereditary cancer-predisposing syndrome. Last evaluated: 2021-10-18. Review status: criteria provided, single submitter. Criteria: Ambry Variant Classification Scheme 2023. Collection method: clinical testing. Allele origin: germline.